The following is an entry in ClinVar:

ClinVar aggregate classification (germline): Likely benign (0 of 4 stars; one submission).

Conditions:
APOD-related disorder. Also called: APOD-related condition.

Allele frequency attached by ClinVar (database versions not stated): gnomAD exomes 0.00016; ExAC 0.00063; TOPMed 0.00205; ESP Exome Variant Server 0.00254; 1000 Genomes Project 0.00120; 1000 Genomes Project 30x 0.00156; gnomAD 0.00189.
gnomAD v4.1: 524 of 1,614,168 alleles (0.032%); highest among the groups gnomAD compares: African/African-American, 0.65%; 2 homozygotes.

Submission:

PreventionGenetics, part of Exact Sciences
Classification: Likely benign for APOD-related condition. Last evaluated: 2020-07-27. Review status: no assertion criteria provided. Collection method: clinical testing. Allele origin: germline.
Comment: This variant is classified as likely benign based on ACMG/AMP sequence variant interpretation guidelines (Richards et al. 2015 PMID: 25741868, with internal and published modifications).

NM_001647.4(APOD):c.383A>G (p.Tyr128Cys)

Gene: APOD (apolipoprotein D; minus strand). Cytogenetic location: 3q29.
Variant type: single nucleotide variant.
Coding change: c.383A>G on transcript NM_001647.4 (MANE Select); coding-DNA position 383, A replaced by G.
Protein change: p.Tyr128Cys; replaces tyrosine 128 with cysteine.
Molecular consequence: missense variant.
Genome position (GRCh38, 1-based): chr3:195,569,087, T>C on the plus strand (A>G on the coding strand, the complement: APOD is on the minus strand). VCF-style: chr3-195569087-T-C. GRCh37 (hg19) VCF-style: chr3-195295958-T-C.
Other names: short protein forms Y128C.
Identifiers: ClinVar variation 3038449 (VCV003038449.2), dbSNP rs150664052, ClinGen allele CA2765249.